The following is an entry in ClinVar:

NM_005297.4(MCHR1):c.253C>G (p.Leu85Val)

Gene: MCHR1 (melanin concentrating hormone receptor 1; plus strand). Cytogenetic location: 22q13.2.
Variant type: single nucleotide variant.
Coding change: c.253C>G on transcript NM_005297.4 (MANE Select); coding-DNA position 253, C replaced by G.
Protein change: p.Leu85Val; replaces leucine 85 with valine.
Molecular consequence: missense variant.
Genome position (GRCh38, 1-based): chr22:40,681,119, C>G. VCF-style: chr22-40681119-C-G. GRCh37 (hg19) VCF-style: chr22-41077123-C-G.
Other names: short protein forms L85V.
Identifiers: ClinVar variation 4978723 (VCV004978723.1).

ClinVar aggregate classification (germline): Uncertain significance (1 of 4 stars; one submission).

Conditions:
MCHR1-related disorder. Also called: MCHR1-related condition.

gnomAD v4.1: 48 of 1,614,148 alleles (0.003%); highest among the groups gnomAD compares: Middle Eastern, 0.25%; no homozygotes.

Submission:

PreventionGenetics, part of Exact Sciences
Classification: Uncertain significance for MCHR1-related condition. Last evaluated: 2025-09-23. Review status: criteria provided, single submitter. Criteria: ACMG Guidelines, 2015. Collection method: clinical testing. Allele origin: germline.
Comment: The MCHR1 c.460C>G variant is predicted to result in the amino acid substitution p.Leu154Val. To our knowledge, this variant has not been reported in the literature. This variant is reported in 0.028% of alleles in individuals of Latino descent in gnomAD. At this time, the clinical significance of this variant is uncertain due to the absence of conclusive functional and genetic evidence.